The following is an entry in ClinVar:

ClinVar aggregate classification (germline): Likely benign (1 of 4 stars; one submission).

Submission:

CeGaT Center for Human Genetics Tuebingen
Classification: Likely benign. Last evaluated: 2025-03-01. Review status: criteria provided, single submitter. Criteria: CeGaT Center For Human Genetics Tuebingen Variant Classification Criteria Version 2. Collection method: clinical testing. Allele origin: germline. Affected: yes. Observed: 1 variant allele.
Comment: KRTAP9-3: BP4, BP7

NM_031962.3(KRTAP9-3):c.432T>C (p.Cys144=)

Gene: KRTAP9-3 (keratin associated protein 9-3). Cytogenetic location: 17q21.2.
Variant type: single nucleotide variant.
Coding change: c.432T>C on transcript NM_031962.3 (MANE Select); coding-DNA position 432, T replaced by C.
Protein change: p.Cys144=; no amino-acid change (cysteine 144 retained).
Molecular consequence: synonymous variant.
Genome position (GRCh38, 1-based): chr17:41,232,933, T>C. VCF-style: chr17-41232933-T-C. GRCh37 (hg19) VCF-style: chr17-39389185-T-C.
Identifiers: ClinVar variation 3777986 (VCV003777986.7).